The following is an entry in ClinVar:

NM_012154.5(AGO2):c.1987C>T (p.Arg663Cys)

Gene: AGO2 (argonaute RISC catalytic component 2; minus strand). Cytogenetic location: 8q24.3.
Variant type: single nucleotide variant.
Coding change: c.1987C>T on transcript NM_012154.5 (MANE Select); coding-DNA position 1987, C replaced by T.
Protein change: p.Arg663Cys; replaces arginine 663 with cysteine.
Molecular consequence: missense variant.
Genome position (GRCh38, 1-based): chr8:140,541,211, G>A on the plus strand (C>T on the coding strand, the complement: AGO2 is on the minus strand). VCF-style: chr8-140541211-G-A. GRCh37 (hg19) VCF-style: chr8-141551310-G-A.
Other names: c.1987C>T, p.Arg663Cys (NM_001164623.3); short protein forms R663C.
Identifiers: ClinVar variation 2503353 (VCV002503353.1), dbSNP rs2072790958, ClinGen allele CA372332931.

ClinVar aggregate classification (germline): Uncertain significance (1 of 4 stars; one submission).

Allele frequency attached by ClinVar (database versions not stated): gnomAD exomes below 0.00001; TOPMed below 0.00001.
gnomAD v4.1: 1 of 1,599,244 alleles (0.000063%); highest among the groups gnomAD compares: South Asian, 0.0011%; no homozygotes.

Submission:

GeneDx
Classification: Uncertain significance. Last evaluated: 2022-11-25. Review status: criteria provided, single submitter. Criteria: GeneDx Variant Classification Process June 2021. Collection method: clinical testing. Allele origin: germline. Affected: yes.
Comment: Not observed at significant frequency in large population cohorts (gnomAD); In silico analysis supports that this missense variant has a deleterious effect on protein structure/function; Has not been previously published as pathogenic or benign to our knowledge